The following is an entry in ClinVar:

NM_000069.3(CACNA1S):c.4079A>G (p.Tyr1360Cys)

Gene: CACNA1S (calcium voltage-gated channel subunit alpha1 S; minus strand). Cytogenetic location: 1q32.1.
Variant type: single nucleotide variant.
Coding change: c.4079A>G on transcript NM_000069.3 (MANE Select); coding-DNA position 4079, A replaced by G.
Protein change: p.Tyr1360Cys; replaces tyrosine 1360 with cysteine.
Molecular consequence: missense variant.
Genome position (GRCh38, 1-based): chr1:201,051,018, T>C on the plus strand (A>G on the coding strand, the complement: CACNA1S is on the minus strand). VCF-style: chr1-201051018-T-C. GRCh37 (hg19) VCF-style: chr1-201020146-T-C.
Other names: short protein forms Y1360C.
Identifiers: ClinVar variation 2949501 (VCV002949501.3), dbSNP rs2464446955, ClinGen allele CA344149825.

ClinVar aggregate classification (germline): Uncertain significance (1 of 4 stars; one submission).

Conditions:
Hypokalemic periodic paralysis, type 1. Also called: HypoPP; Hypokalemic Periodic Paralysis Type 1 (AD). Identifiers: Orphanet 681, MedGen C3714580, MONDO:0042979, OMIM 170400.
Malignant hyperthermia, susceptibility to, 5 (MHS5). Also called: CACNA1S-Related Malignant Hyperthermia Susceptibility. Identifiers: Orphanet 423, MedGen C1866077, MONDO:0011163, OMIM 601887.

Submission:

Labcorp Genetics (formerly Invitae), Labcorp
Classification: Uncertain significance for Hypokalemic periodic paralysis, type 1; Malignant hyperthermia, susceptibility to, 5. Last evaluated: 2023-06-30. Review status: criteria provided, single submitter. Criteria: Invitae Variant Classification Sherloc (09022015). Collection method: clinical testing. Allele origin: germline.
Comment: In summary, the available evidence is currently insufficient to determine the role of this variant in disease. Therefore, it has been classified as a Variant of Uncertain Significance. This variant is not present in population databases (gnomAD no frequency). This sequence change replaces tyrosine, which is neutral and polar, with cysteine, which is neutral and slightly polar, at codon 1360 of the CACNA1S protein (p.Tyr1360Cys). This variant has not been reported in the literature in individuals affected with CACNA1S-related conditions. Advanced modeling of protein sequence and biophysical properties (such as structural, functional, and spatial information, amino acid conservation, physicochemical variation, residue mobility, and thermodynamic stability) performed at Invitae indicates that this missense variant is expected to disrupt CACNA1S protein function.